The following is an entry in ClinVar:

ClinVar aggregate classification (germline): Likely benign (0 of 4 stars; one submission).

Conditions:
KIDINS220-related disorder. Also called: KIDINS220-related condition.

gnomAD v4.1: 2 of 1,610,138 alleles (0.00012%); highest among the groups gnomAD compares: Non-Finnish European, 0.00017%; no homozygotes.

Submission:

PreventionGenetics, part of Exact Sciences
Classification: Likely benign for KIDINS220-related condition. Last evaluated: 2024-03-15. Review status: no assertion criteria provided. Collection method: clinical testing. Allele origin: germline.
Comment: This variant is classified as likely benign based on ACMG/AMP sequence variant interpretation guidelines (Richards et al. 2015 PMID: 25741868, with internal and published modifications).

NM_020738.4(KIDINS220):c.*10G>C

Gene: KIDINS220 (kinase D interacting substrate 220; minus strand). Cytogenetic location: 2p25.1.
Variant type: single nucleotide variant.
Coding change: c.*10G>C on transcript NM_020738.4 (MANE Select); 10 bases downstream of the stop codon, G replaced by C.
Molecular consequence: 3 prime UTR variant. On other transcripts: intron variant (6).
Genome position (GRCh38, 1-based): chr2:8,730,710, C>G on the plus strand (G>C on the coding strand, the complement: KIDINS220 is on the minus strand). VCF-style: chr2-8730710-C-G. GRCh37 (hg19) VCF-style: chr2-8870840-C-G.
Other names: c.*10G>C (NM_001348729.2, NM_001348731.2, NM_001348732.2 and 3 more transcripts); c.3882+2734G>C (NM_001348741.2, NM_001348742.2, NM_001348743.2); c.3996+2734G>C (NM_001348738.2); c.3885+2734G>C (NM_001348739.2, NM_001348740.2).
Identifiers: ClinVar variation 3348883 (VCV003348883.1).